The following is an entry in ClinVar:

ClinVar aggregate classification (germline): Uncertain significance (1 of 4 stars; one submission).

Submission:

Women's Health and Genetics/Laboratory Corporation of America, LabCorp
Classification: Uncertain significance. Last evaluated: 2024-03-22. Review status: criteria provided, single submitter. Criteria: LabCorp Variant Classification Summary - May 2015. Collection method: clinical testing. Allele origin: germline.
Comment: Variant summary: TARS2 c.1719-8_1719-4delCTTTC alters a nucleotide located close to a canonical splice site and therefore could affect mRNA splicing, leading to a significantly altered protein sequence. Several computational tools predict a significant impact on normal splicing: Three predict the variant weakens a 3' acceptor site. One predict the variant no significant impact on splicing. However, these predictions have yet to be confirmed by functional studies. The variant was absent in 250106 control chromosomes. The available data on variant occurrences in the general population are insufficient to allow any conclusion about variant significance. To our knowledge, no occurrence of c.1719-8_1719-4delCTTTC in individuals affected with Combined Oxidative Phosphorylation Defect Type 21 and no experimental evidence demonstrating its impact on protein function have been reported. No submitters have cited clinical-significance assessments for this variant to ClinVar. Based on the evidence outlined above, the variant was classified as uncertain significance.

NM_025150.5(TARS2):c.1719-8_1719-4del

Gene: TARS2 (threonyl-tRNA synthetase 2, mitochondrial; plus strand). Cytogenetic location: 1q21.2.
Variant type: Deletion.
Coding change: c.1719-8_1719-4del on transcript NM_025150.5 (MANE Select); 8 bases into the intron before coding-DNA position 1719 through 4 bases into the intron before coding-DNA position 1719, 5 bases deleted (CTTTC; older notation c.1719-8_1719-4delCTTTC).
Molecular consequence: intron variant.
Genome position (GRCh38, 1-based): chr1:150,504,624-150,504,628, CTTTC deleted; deleting any 5 consecutive bases within chr1:150,504,620-150,504,628 gives the same sequence; the c. name uses the placement nearest the transcript's 3' end. VCF-style (leftmost placement, unchanged base first): chr1-150504619-TTTTCC-T. GRCh37 (hg19) VCF-style: chr1-150477095-TTTTCC-T.
Other names: c.1473-8_1473-4del (NM_001271895.2); c.1329-8_1329-4del (NM_001271896.2); c.1719-8_1719-4delCTTTC (NM_025150.5).
Identifiers: ClinVar variation 3233802 (VCV003233802.2), dbSNP rs2526364067, ClinGen allele CA2825000847.